The following is an entry in ClinVar:

ClinVar aggregate classification (germline): Uncertain significance (1 of 4 stars; one submission).

gnomAD v4.1: 1 of 1,614,126 alleles (0.000062%); highest among the groups gnomAD compares: African/African-American, 0.0013%; no homozygotes.

Submission:

Labcorp Genetics (formerly Invitae), Labcorp
Classification: Uncertain significance. Last evaluated: 2021-12-27. Review status: criteria provided, single submitter. Criteria: Invitae Variant Classification Sherloc (09022015). Collection method: clinical testing. Allele origin: germline.
Comment: This sequence change replaces leucine, which is neutral and non-polar, with tryptophan, which is neutral and slightly polar, at codon 562 of the OTOA protein (p.Leu562Trp). This variant is not present in population databases (gnomAD no frequency). This missense change has been observed in individual(s) with deafness (Invitae). Algorithms developed to predict the effect of missense changes on protein structure and function are either unavailable or do not agree on the potential impact of this missense change (SIFT: "Deleterious"; PolyPhen-2: "Probably Damaging"; Align-GVGD: "Class C0"). In summary, the available evidence is currently insufficient to determine the role of this variant in disease. Therefore, it has been classified as a Variant of Uncertain Significance.

NM_144672.4(OTOA):c.1685T>G (p.Leu562Trp)

Gene: OTOA (otoancorin). Cytogenetic location: 16p12.2.
Variant type: single nucleotide variant.
Coding change: c.1685T>G on transcript NM_144672.4 (MANE Select); coding-DNA position 1685, T replaced by G.
Protein change: p.Leu562Trp; replaces leucine 562 with tryptophan.
Molecular consequence: missense variant.
Genome position (GRCh38, 1-based): chr16:21,719,188, T>G. VCF-style: chr16-21719188-T-G. GRCh37 (hg19) VCF-style: chr16-21730509-T-G.
Other names: c.1448T>G, p.Leu483Trp (NM_001161683.2); c.713T>G, p.Leu238Trp (NM_170664.3); short protein forms L483W, L238W, L562W.
Identifiers: ClinVar variation 2061952 (VCV002061952.1), dbSNP rs1255997881, ClinGen allele CA395064552.
Genomic context (GRCh38, chr16:21,719,188, plus strand): 5'-CGCAGGCTCTGTTCCTGTATGAGCTTCTGTTAAAGACCACCAGAAGGCCTGAGGAGCTTT[T>G]GAGGTAGGAAAATGTAACTCGGCCTGGGTGCTGAACAGGCCTTTCAGAGCCTTCTGCCAG-3'
Protein context (NP_653273.3, residues 552-572): LKTTRRPEEL[Leu562Trp]SAGQLVKGVT